The following is an entry in ClinVar:

ClinVar aggregate classification (germline): Pathogenic (1 of 4 stars; one submission).

Submission:

GeneDx
Classification: Pathogenic. Last evaluated: 2019-10-28. Review status: criteria provided, single submitter. Criteria: GeneDx Variant Classification Process June 2021. Collection method: clinical testing. Allele origin: germline. Affected: yes.
Comment: Nonsense variant predicted to result in protein truncation or nonsense mediated decay in a gene for which loss-of-function is a known mechanism of disease; Not observed in large population cohorts (Lek et al., 2016); Has not been previously published as pathogenic or benign to our knowledge

NM_001844.5(COL2A1):c.4008G>A (p.Trp1336Ter)

Gene: COL2A1 (collagen type II alpha 1 chain; minus strand). Cytogenetic location: 12q13.11.
Variant type: single nucleotide variant.
Coding change: c.4008G>A on transcript NM_001844.5 (MANE Select); coding-DNA position 4008, G replaced by A.
Protein change: p.Trp1336Ter; replaces tryptophan 1336 with a stop codon.
Molecular consequence: nonsense.
Genome position (GRCh38, 1-based): chr12:47,974,741, C>T on the plus strand (G>A on the coding strand, the complement: COL2A1 is on the minus strand). VCF-style: chr12-47974741-C-T. GRCh37 (hg19) VCF-style: chr12-48368524-C-T.
Other names: c.3801G>A, p.Trp1267Ter (NM_033150.3); short protein forms W1336*, W1267*.
Identifiers: ClinVar variation 620225 (VCV000620225.2), dbSNP rs1565666048, ClinGen allele CA384535660.